The following is an entry in ClinVar:

NM_000397.4(CYBB):c.85del (p.Tyr29fs)

Gene: CYBB (cytochrome b-245 beta chain; plus strand). Cytogenetic location: Xp21.1.
Variant type: Deletion.
Coding change: c.85del on transcript NM_000397.4 (MANE Select); coding-DNA position 85, one base deleted (T; older notation c.85delT).
Protein change: p.Tyr29fs; shifts the reading frame from tyrosine 29.
Molecular consequence: frameshift variant.
Genome position (GRCh38, 1-based): chrX:37,782,127, T deleted. VCF-style (leftmost placement, unchanged base first): chrX-37782126-GT-G. GRCh37 (hg19) VCF-style: chrX-37641379-GT-G.
Other names: c.85delT (NM_000397.3); short protein forms Y29fs.
Identifiers: ClinVar variation 419755 (VCV000419755.2), dbSNP rs1064794086, ClinGen allele CA16621365.

ClinVar aggregate classification (germline): Pathogenic (1 of 4 stars; one submission).

Submission:

GeneDx
Classification: Pathogenic. Last evaluated: 2018-11-26. Review status: criteria provided, single submitter. Criteria: GeneDx Variant Classification (06012015). Collection method: clinical testing. Allele origin: germline. Affected: yes.
Comment: The c.85delT variant has been reported previously in association with chronic granulomatous disease (Roos et al., 2010). The deletion causes a frameshift starting with codon Tyrosine 29, changes this amino acid to an Isoleucine residue and creates a premature Stop codon at position 32 of the new reading frame, denoted p.Tyr29IlefsX32. This variant is predicted to cause loss of normal protein function either through protein truncation or nonsense-mediated mRNA decay. The variant is not observed in large population cohorts (Lek et al., 2016). We consider this variant to be pathogenic.